The following is an entry in ClinVar:

NC_000023.10:g.(?_32834565)_(32867957_?)dup

Gene: DMD (dystrophin; minus strand). Cytogenetic location: Xp21.1.
Variant type: Duplication.
Identifiers: ClinVar variation 1455870 (VCV001455870.4).

ClinVar aggregate classification (germline): Pathogenic (1 of 4 stars; one submission).

Conditions:
Duchenne muscular dystrophy (DMD). Also called: Duchenne Muscular Dystrophy (DMD); MUSCULAR DYSTROPHY, PSEUDOHYPERTROPHIC PROGRESSIVE, DUCHENNE TYPE. Identifiers: Orphanet 98896, MedGen C0013264, MONDO:0010679, OMIM 310200.

Submission:

Labcorp Genetics (formerly Invitae), Labcorp
Classification: Pathogenic for Duchenne muscular dystrophy. Last evaluated: 2021-07-13. Review status: criteria provided, single submitter. Criteria: Invitae Variant Classification Sherloc (09022015). Collection method: clinical testing. Allele origin: germline.
Comment: This variant results in a copy number gain of the genomic region encompassing exon(s) 3-6 of the DMD gene. While the exact position of this variant cannot be determined from the data, sub-genic copy number gains are generally in tandem (PMID: 25640679). This variant is predicted to be out-of-frame, and may result in an absent or disrupted protein product. Loss-of-function variants in DMD are known to be pathogenic (PMID: 16770791, 25007885). Similar copy number variants have been observed in individual(s) with DMD-related conditions (PMID: 16917894, 8034300). For these reasons, this variant has been classified as Pathogenic.

Literature cited by the submitters: PubMed 25640679; PubMed 16770791; PubMed 25007885; PubMed 16917894; PubMed 8034300.